The following is an entry in ClinVar:

NM_001130082.3(PLXNB1):c.1893G>A (p.Ala631=)

Gene: PLXNB1 (plexin B1; minus strand). Cytogenetic location: 3p21.31.
Variant type: single nucleotide variant.
Coding change: c.1893G>A on transcript NM_001130082.3 (MANE Select); coding-DNA position 1893, G replaced by A.
Protein change: p.Ala631=; no amino-acid change (alanine 631 retained).
Molecular consequence: synonymous variant.
Genome position (GRCh38, 1-based): chr3:48,420,874, C>T on the plus strand (G>A on the coding strand, the complement: PLXNB1 is on the minus strand). VCF-style: chr3-48420874-C-T. GRCh37 (hg19) VCF-style: chr3-48462283-C-T.
Other names: c.1893G>A, p.Ala631= (NM_002673.6).
Identifiers: ClinVar variation 770523 (VCV000770523.6), dbSNP rs34982808, ClinGen allele CA2374973.
Genomic context (GRCh38, chr3:48,420,874, plus strand): 5'-AAGCCCAGGCCTGGGGACAGGGCGAGGAACTCACTGCGCAGATGGGCGGAGTTCAGTGAC[C>T]GCCACACAGTCATAGAAAGAGAGGGAAGTTTTGGCGATCACAACAGCGCCAAATCTGAGC-3'
Protein context (NP_001123554.1, residues 621-641): KTSLSFYDCV[Ala631=]VTELRPSAQC

ClinVar aggregate classification (germline): Benign. Review status: criteria provided, multiple submitters, no conflicts (2 of 4 stars). 3 submissions from 3 submitters: Benign (2). 1 of the submissions does not count toward it. Last evaluated 2017-12-11.

Conditions:
PLXNB1-related disorder. Also called: PLXNB1-related condition.

Allele frequency attached by ClinVar (database versions not stated): gnomAD exomes 0.00390; ExAC 0.00484; gnomAD 0.01383 and 0.01480; TOPMed 0.01558; ESP Exome Variant Server 0.01699; 1000 Genomes Project 0.01797; 1000 Genomes Project 30x 0.01905.
gnomAD v4.1: 4,230 of 1,613,942 alleles (0.26%); highest among the groups gnomAD compares: African/African-American, 4.6%; 90 homozygotes.

Submissions (3):

Labcorp Genetics (formerly Invitae), Labcorp
Classification: Benign. Last evaluated: 2017-12-11. Review status: criteria provided, single submitter. Criteria: Invitae Variant Classification Sherloc (09022015). Collection method: clinical testing. Allele origin: germline.

Breakthrough Genomics
Classification: Benign. Review status: criteria provided, single submitter. Criteria: ACMG Guidelines, 2015. Collection method: not provided. Allele origin: germline. Inheritance: Unknown mechanism. Affected: yes.

PreventionGenetics, part of Exact Sciences
Classification: Benign for PLXNB1-related condition. Last evaluated: 2019-03-26. Review status: no assertion criteria provided. Collection method: clinical testing. Allele origin: germline. Not counted in ClinVar's aggregate classification.
Comment: This variant is classified as benign based on ACMG/AMP sequence variant interpretation guidelines (Richards et al. 2015 PMID: 25741868, with internal and published modifications).